The following is an entry in ClinVar:

NM_001985.3(ETFB):c.58-1863G>A

Gene: ETFB (electron transfer flavoprotein subunit beta; minus strand). Cytogenetic location: 19q13.41.
Variant type: single nucleotide variant.
Coding change: c.58-1863G>A on transcript NM_001985.3 (MANE Select); 1863 bases into the intron before coding-DNA position 58, G replaced by A.
Molecular consequence: intron variant.
Genome position (GRCh38, 1-based): chr19:51,356,171, C>T on the plus strand (G>A on the coding strand, the complement: ETFB is on the minus strand). VCF-style: chr19-51356171-C-T. GRCh37 (hg19) VCF-style: chr19-51859425-C-T.
Identifiers: ClinVar variation 1694937 (VCV001694937.31), dbSNP rs192733404, ClinGen allele CA14745780.

ClinVar aggregate classification (germline): Benign (1 of 4 stars; one submission).

Allele frequency attached by ClinVar (database versions not stated): 1000 Genomes Project 30x 0.00312; 1000 Genomes Project 0.00359; TOPMed 0.00602; gnomAD 0.00859 and 0.00878.

Submission:

CeGaT Center for Human Genetics Tuebingen
Classification: Benign. Last evaluated: 2022-05-01. Review status: criteria provided, single submitter. Criteria: CeGaT Center For Human Genetics Tuebingen Variant Classification Criteria Version 2. Collection method: clinical testing. Allele origin: germline. Affected: yes. Observed: 1 variant allele.
Comment: ETFB: BS1, BS2